The following is an entry in ClinVar:

NM_000071.3(CBS):c.1549del (p.Gln517fs)

Gene: CBS (cystathionine beta-synthase; minus strand). Cytogenetic location: 21q22.3.
Variant type: Deletion.
Coding change: c.1549del on transcript NM_000071.3 (MANE Select); coding-DNA position 1549, one base deleted (C; older notation c.1549delC).
Protein change: p.Gln517fs; shifts the reading frame from glutamine 517.
Molecular consequence: frameshift variant.
Genome position (GRCh38, 1-based): chr21:43,056,806, G deleted on the plus strand (C on the coding strand, the reverse complement: CBS is on the minus strand); the first of 2 consecutive G bases (chr21:43,056,806-43,056,807); deleting either gives the same sequence. VCF-style (leftmost placement, unchanged base first): chr21-43056805-TG-T. GRCh37 (hg19) VCF-style: chr21-44476915-TG-T.
Other names: c.1549del, p.Gln517fs (NM_001178008.3, NM_001178009.3, NM_001320298.2); c.1234del, p.Gln412fs (NM_001321072.1); short protein forms Q517fs, Q412fs.
Identifiers: ClinVar variation 2126257 (VCV002126257.4), dbSNP rs2517382043, ClinGen allele CA2580098728.

ClinVar aggregate classification (germline): Pathogenic (1 of 4 stars; one submission).

Conditions:
HYPERHOMOCYSTEINEMIA, THROMBOTIC, CBS-RELATED. Identifiers: MedGen C3150344, OMIM 236200.

Submission:

Labcorp Genetics (formerly Invitae), Labcorp
Classification: Pathogenic for HYPERHOMOCYSTEINEMIA, THROMBOTIC, CBS-RELATED. Last evaluated: 2022-04-15. Review status: criteria provided, single submitter. Criteria: Invitae Variant Classification Sherloc (09022015). Collection method: clinical testing. Allele origin: germline.
Comment: For these reasons, this variant has been classified as Pathogenic. This variant disrupts a region of the CBS protein in which other variant(s) (p.Lys523Serfs*18) have been determined to be pathogenic (PMID: 12815602, 21520339, 25044645). This suggests that this is a clinically significant region of the protein, and that variants that disrupt it are likely to be disease-causing. This variant has not been reported in the literature in individuals affected with CBS-related conditions. This variant is not present in population databases (gnomAD no frequency). This sequence change creates a premature translational stop signal (p.Gln517Serfs*24) in the CBS gene. While this is not anticipated to result in nonsense mediated decay, it is expected to disrupt the last 35 amino acid(s) of the CBS protein.

Literature cited by the submitters: PubMed 12815602; PubMed 21520339; PubMed 25044645.